The following is an entry in ClinVar:

NM_001166108.2(PALLD):c.2952C>A (p.His984Gln)

Genes: CBR4 (carbonyl reductase 4; minus strand), PALLD (palladin, cytoskeletal associated protein; plus strand). Cytogenetic location: 4q32.3.
Variant type: single nucleotide variant.
Coding change: c.2952C>A on transcript NM_001166108.2 (MANE Select); coding-DNA position 2952, C replaced by A.
Protein change: p.His984Gln; replaces histidine 984 with glutamine.
Molecular consequence: missense variant.
Genome position (GRCh38, 1-based): chr4:168,921,635, C>A. VCF-style: chr4-168921635-C-A. GRCh37 (hg19) VCF-style: chr4-169842786-C-A.
Other names: c.1755C>A, p.His585Gln (NM_001166109.2); c.1440C>A, p.His480Gln (NM_001166110.2); c.780C>A, p.His260Gln (NM_001367567.1, NM_001367569.1); c.831C>A, p.His277Gln (NM_001367568.1, NM_001367570.1); c.2901C>A, p.His967Gln (NM_016081.4); short protein forms H277Q, H480Q, H967Q, H260Q, H585Q, H984Q.
Identifiers: ClinVar variation 4564160 (VCV004564160.1).

ClinVar aggregate classification (germline): Uncertain significance (1 of 4 stars; one submission).

Submission:

Ambry Genetics
Classification: Uncertain significance. Last evaluated: 2025-10-13. Review status: criteria provided, single submitter. Criteria: Ambry Variant Classification Scheme 2023. Collection method: clinical testing. Allele origin: germline.
Comment: The p.H480Q variant (also known as c.1440C>A), located in coding exon 8 of the PALLD gene, results from a C to A substitution at nucleotide position 1440. The histidine at codon 480 is replaced by glutamine, an amino acid with highly similar properties. This amino acid position is conserved. In addition, this alteration is predicted to be deleterious by in silico analysis. Based on the available evidence, the clinical significance of this variant remains unclear.